The following is an entry in ClinVar:

ClinVar aggregate classification (germline): Uncertain significance (1 of 4 stars; one submission).

Conditions:
Autosomal dominant Parkinson disease 8. Also called: LRRK2-Related Parkinson Disease; Parkinson disease 8; Parkinson disease 8, susceptibility to. Identifiers: Orphanet 411602, MedGen C1846862, MONDO:0011764, OMIM 607060.

gnomAD v4.1: 3 of 1,613,738 alleles (0.00019%); highest among the groups gnomAD compares: South Asian, 0.0033%; no homozygotes.

Submission:

Labcorp Genetics (formerly Invitae), Labcorp
Classification: Uncertain significance for Autosomal dominant Parkinson disease 8. Last evaluated: 2025-03-05. Review status: criteria provided, single submitter. Criteria: Invitae Variant Classification Sherloc (09022015). Collection method: clinical testing. Allele origin: germline.
Comment: This sequence change falls in intron 16 of the LRRK2 gene. It does not directly change the encoded amino acid sequence of the LRRK2 protein. It affects a nucleotide within the consensus splice site. This variant is not present in population databases (gnomAD no frequency). This variant has not been reported in the literature in individuals affected with LRRK2-related conditions. ClinVar contains an entry for this variant (Variation ID: 2751859). Variants that disrupt the consensus splice site are a relatively common cause of aberrant splicing (PMID: 17576681, 9536098). Algorithms developed to predict the effect of sequence changes on RNA splicing suggest that this variant may disrupt the consensus splice site. In summary, the available evidence is currently insufficient to determine the role of this variant in disease. Therefore, it has been classified as a Variant of Uncertain Significance.

Literature cited by the submitters: PubMed 17576681; PubMed 9536098.

NM_198578.4(LRRK2):c.1941+5G>A

Gene: LRRK2 (leucine rich repeat kinase 2; plus strand). Cytogenetic location: 12q12.
Variant type: single nucleotide variant.
Coding change: c.1941+5G>A on transcript NM_198578.4 (MANE Select); 5 bases into the intron after coding-DNA position 1941, G replaced by A.
Molecular consequence: intron variant.
Genome position (GRCh38, 1-based): chr12:40,274,998, G>A. VCF-style: chr12-40274998-G-A. GRCh37 (hg19) VCF-style: chr12-40668800-G-A.
Identifiers: ClinVar variation 2751859 (VCV002751859.3), dbSNP rs1339730083, ClinGen allele CA2575121681.